The following is an entry in ClinVar:

NC_000016.9:g.(?_55515327)_(55516985_?)del

Gene: MMP2 (matrix metallopeptidase 2; plus strand). Cytogenetic location: 16q12.2.
Variant type: Deletion.
Identifiers: ClinVar variation 1512999 (VCV001512999.4).

ClinVar aggregate classification (germline): Likely pathogenic (1 of 4 stars; one submission).

Submission:

Labcorp Genetics (formerly Invitae), Labcorp
Classification: Likely pathogenic. Last evaluated: 2023-04-19. Review status: criteria provided, single submitter. Criteria: Invitae Variant Classification Sherloc (09022015). Collection method: clinical testing. Allele origin: germline.
Comment: ClinVar contains an entry for this variant (Variation ID: 859272). In summary, the currently available evidence indicates that the variant is pathogenic, but additional data are needed to prove that conclusively. Therefore, this variant has been classified as Likely Pathogenic. This variant has not been reported in the literature in individuals affected with MMP2-related conditions. This variant results in the deletion of part of exon 2 (c.154-1494_318del) of the MMP2 gene. It is expected to disrupt RNA splicing. Variants that disrupt the donor or acceptor splice site typically lead to a loss of protein function (PMID: 16199547), and loss-of-function variants in MMP2 are known to be pathogenic (PMID: 26601801).

Literature cited by the submitters: PubMed 16199547; PubMed 26601801.